The following is an entry in ClinVar:

NM_020778.5(ALPK3):c.4723+5G>A

Gene: ALPK3 (alpha kinase 3; plus strand). Cytogenetic location: 15q25.3.
Variant type: single nucleotide variant.
Coding change: c.4723+5G>A on transcript NM_020778.5 (MANE Select); 5 bases into the intron after coding-DNA position 4723, G replaced by A.
Molecular consequence: intron variant.
Genome position (GRCh38, 1-based): chr15:84,864,670, G>A. VCF-style: chr15-84864670-G-A. GRCh37 (hg19) VCF-style: chr15-85407901-G-A.
Identifiers: ClinVar variation 514524 (VCV000514524.9), dbSNP rs771461497, ClinGen allele CA273632769.

ClinVar aggregate classification (germline): Uncertain significance. Review status: criteria provided, multiple submitters, no conflicts (2 of 4 stars). 4 submissions from 4 submitters: Uncertain significance (4). Last evaluated 2025-12-02.

Conditions:
ALPK3-related disorder. Also called: ALPK3-related condition.
Cardiovascular phenotype. Identifiers: MedGen CN230736.

Allele frequency attached by ClinVar (database versions not stated): TOPMed below 0.00001; gnomAD 0.00003.
gnomAD v4.1: 9 of 1,612,630 alleles (0.00056%); highest among the groups gnomAD compares: African/African-American, 0.004%; no homozygotes.

Submissions (4):

GeneDx
Classification: Uncertain significance. Last evaluated: 2025-12-02. Review status: criteria provided, single submitter. Criteria: GeneDx Variant Classification Process June 2021. Collection method: clinical testing. Allele origin: germline. Affected: yes.
Comment: Has not been previously published as pathogenic or benign to our knowledge; Not observed at significant frequency in large population cohorts (gnomAD); In silico analysis is inconclusive as to whether the variant alters gene splicing. In the absence of RNA/functional studies, the actual effect of this sequence change is unknown.

PreventionGenetics, part of Exact Sciences
Classification: Uncertain significance for ALPK3-related condition. Last evaluated: 2025-11-19. Review status: criteria provided, single submitter. Criteria: ACMG Guidelines, 2015. Collection method: clinical testing. Allele origin: germline.
Comment: The ALPK3 c.5329+5G>A variant is predicted to interfere with splicing. This variant is predicted to alter splicing based on available splicing prediction programs (SpliceAI, Jaganathan et al. 2019. PubMed ID: 30661751). However, the use of computer prediction programs is not equivalent to functional evidence. To our knowledge, this variant has not been reported in the literature. This variant is reported in 0.011% of alleles in individuals of African descent in gnomAD. At this time, the clinical significance of this variant is uncertain due to the absence of conclusive functional and genetic evidence.

Ambry Genetics
Classification: Uncertain significance for Cardiovascular phenotype. Last evaluated: 2024-05-15. Review status: criteria provided, single submitter. Criteria: Ambry Variant Classification Scheme 2023. Collection method: clinical testing. Allele origin: germline.
Comment: The c.5329+5G>A intronic variant results from a G to A substitution 5 nucleotides after coding exon 12 in the ALPK3 gene. This nucleotide position is well conserved in available vertebrate species. In silico splice site analysis for this alteration is inconclusive. Since supporting evidence is limited at this time, the clinical significance of this alteration remains unclear.

Labcorp Genetics (formerly Invitae), Labcorp
Classification: Uncertain significance. Last evaluated: 2022-12-31. Review status: criteria provided, single submitter. Criteria: Invitae Variant Classification Sherloc (09022015). Collection method: clinical testing. Allele origin: germline.
Comment: Variants that disrupt the consensus splice site are a relatively common cause of aberrant splicing (PMID: 17576681, 9536098). Algorithms developed to predict the effect of sequence changes on RNA splicing suggest that this variant may disrupt the consensus splice site. ClinVar contains an entry for this variant (Variation ID: 514524). This variant has not been reported in the literature in individuals affected with ALPK3-related conditions. This variant is present in population databases (no rsID available, gnomAD 0.01%). This sequence change falls in intron 12 of the ALPK3 gene. It does not directly change the encoded amino acid sequence of the ALPK3 protein. It affects a nucleotide within the consensus splice site. In summary, the available evidence is currently insufficient to determine the role of this variant in disease. Therefore, it has been classified as a Variant of Uncertain Significance.

Literature cited by the submitters: PubMed 17576681 (cited by Labcorp Genetics (formerly Invitae), Labcorp); PubMed 9536098 (cited by Labcorp Genetics (formerly Invitae), Labcorp).